The following is an entry in ClinVar:

NM_004369.4(COL6A3):c.7235G>A (p.Gly2412Glu)

Gene: COL6A3 (collagen type VI alpha 3 chain; minus strand). Cytogenetic location: 2q37.3.
Variant type: single nucleotide variant.
Coding change: c.7235G>A on transcript NM_004369.4 (MANE Select); coding-DNA position 7235, G replaced by A.
Protein change: p.Gly2412Glu; replaces glycine 2412 with glutamic acid.
Molecular consequence: missense variant.
Genome position (GRCh38, 1-based): chr2:237,344,783, C>T on the plus strand (G>A on the coding strand, the complement: COL6A3 is on the minus strand). VCF-style: chr2-237344783-C-T. GRCh37 (hg19) VCF-style: chr2-238253426-C-T.
Other names: c.7235G>A (NM_004369.3); c.5414G>A, p.Gly1805Glu (NM_057166.5); c.6617G>A, p.Gly2206Glu (NM_057167.4); short protein forms G2206E, G1805E, G2412E.
Identifiers: ClinVar variation 1391145 (VCV001391145.7), dbSNP rs776496050, ClinGen allele CA2187844.

ClinVar aggregate classification (germline): Uncertain significance. Review status: criteria provided, multiple submitters, no conflicts (2 of 4 stars). 2 submissions from 2 submitters: Uncertain significance (2). Last evaluated 2024-08-27.

Conditions:
Bethlem myopathy 1A. Also called: Bethlem myopathy 1; Bethlem Muscular Dystrophy; MYOPATHY, BENIGN CONGENITAL, WITH CONTRACTURES. Identifiers: Orphanet 610, MedGen CN029274, MONDO:0024530, OMIM 158810.
Inborn genetic diseases. Identifiers: MedGen C0950123, MeSH D030342.

Allele frequency attached by ClinVar (database versions not stated): gnomAD exomes 0.00001 and 0.00002; TOPMed 0.00001; ExAC 0.00003.
gnomAD v4.1: 7 of 1,605,380 alleles (0.00044%); highest among the groups gnomAD compares: Admixed American, 0.01%; no homozygotes.

Submissions (2):

Ambry Genetics
Classification: Uncertain significance for Inborn genetic diseases. Last evaluated: 2024-08-27. Review status: criteria provided, single submitter. Criteria: Ambry Variant Classification Scheme 2023. Collection method: clinical testing. Allele origin: germline.

Labcorp Genetics (formerly Invitae), Labcorp
Classification: Uncertain significance for Bethlem myopathy 1A. Last evaluated: 2022-07-25. Review status: criteria provided, single submitter. Criteria: Invitae Variant Classification Sherloc (09022015). Collection method: clinical testing. Allele origin: germline.
Comment: This sequence change replaces glycine, which is neutral and non-polar, with glutamic acid, which is acidic and polar, at codon 2412 of the COL6A3 protein (p.Gly2412Glu). This variant is present in population databases (rs776496050, gnomAD 0.02%). In summary, the available evidence is currently insufficient to determine the role of this variant in disease. Therefore, it has been classified as a Variant of Uncertain Significance. Algorithms developed to predict the effect of missense changes on protein structure and function are either unavailable or do not agree on the potential impact of this missense change (SIFT: "Tolerated"; PolyPhen-2: "Not Available"; Align-GVGD: "Class C0"). ClinVar contains an entry for this variant (Variation ID: 1391145). This variant has not been reported in the literature in individuals affected with COL6A3-related conditions.